The following is an entry in ClinVar:

NM_001130438.3(SPTAN1):c.6971G>A (p.Gly2324Asp)

Gene: SPTAN1 (spectrin alpha, non-erythrocytic 1; plus strand). Cytogenetic location: 9q34.11.
Variant type: single nucleotide variant.
Coding change: c.6971G>A on transcript NM_001130438.3 (MANE Select); coding-DNA position 6971, G replaced by A.
Protein change: p.Gly2324Asp; replaces glycine 2324 with aspartic acid.
Molecular consequence: missense variant.
Genome position (GRCh38, 1-based): chr9:128,632,442, G>A. VCF-style: chr9-128632442-G-A. GRCh37 (hg19) VCF-style: chr9-131394721-G-A.
Other names: c.6896G>A, p.Gly2299Asp (NM_001195532.2); c.7034G>A, p.Gly2345Asp (NM_001363759.2); c.6911G>A, p.Gly2304Asp (NM_001363765.2, NM_001375314.2); c.7058G>A, p.Gly2353Asp (NM_001375310.1); c.6971G>A, p.Gly2324Asp (NM_001375311.2); c.7007G>A, p.Gly2336Asp (NM_001375312.2); c.6953G>A, p.Gly2318Asp (NM_001375313.1); c.7070G>A, p.Gly2357Asp (NM_001375318.1); and 1 more; short protein forms G2299D, G2304D, G2318D, G2319D, G2324D, G2336D, G2345D, G2353D.
Identifiers: ClinVar variation 3359021 (VCV003359021.3).

ClinVar aggregate classification (germline): Uncertain significance (1 of 4 stars; one submission).

Conditions:
Developmental delay with or without epilepsy (DEVEP). Identifiers: MedGen C5882702, MONDO:0957815, OMIM 620540.

Submission:

Institute of Human Genetics, University of Leipzig Medical Center
Classification: Uncertain significance for Developmental delay with or without epilepsy. Last evaluated: 2024-07-18. Review status: criteria provided, single submitter. Criteria: ACMG Guidelines, 2015. Collection method: clinical testing. Allele origin: unknown. Inheritance: Autosomal dominant inheritance. Affected: yes.
Comment: Criteria applied: PM1,PM2,PP2